The following is an entry in ClinVar:

ClinVar aggregate classification (germline): Uncertain significance. Review status: criteria provided, multiple submitters, no conflicts (2 of 4 stars). 2 submissions from 2 submitters: Uncertain significance (2). Last evaluated 2025-07-13.

Conditions:
Inborn genetic diseases. Identifiers: MedGen C0950123, MeSH D030342.

Allele frequency attached by ClinVar (database versions not stated): gnomAD exomes below 0.00001; TOPMed below 0.00001.
gnomAD v4.1: 1 of 1,613,948 alleles (0.000062%); highest among the groups gnomAD compares: Non-Finnish European, 0.000085%; no homozygotes.

Submissions (2):

Ambry Genetics
Classification: Uncertain significance for Inborn genetic diseases. Last evaluated: 2025-07-13. Review status: criteria provided, single submitter. Criteria: Ambry Variant Classification Scheme 2023. Collection method: clinical testing. Allele origin: germline.

Labcorp Genetics (formerly Invitae), Labcorp
Classification: Uncertain significance. Last evaluated: 2022-03-18. Review status: criteria provided, single submitter. Criteria: Invitae Variant Classification Sherloc (09022015). Collection method: clinical testing. Allele origin: germline.
Comment: This sequence change replaces isoleucine, which is neutral and non-polar, with methionine, which is neutral and non-polar, at codon 3567 of the FAT1 protein (p.Ile3567Met). This variant is not present in population databases (gnomAD no frequency). This variant has not been reported in the literature in individuals affected with FAT1-related conditions. Algorithms developed to predict the effect of missense changes on protein structure and function are either unavailable or do not agree on the potential impact of this missense change (SIFT: "Deleterious"; PolyPhen-2: "Possibly Damaging"; Align-GVGD: "Class C0"). In summary, the available evidence is currently insufficient to determine the role of this variant in disease. Therefore, it has been classified as a Variant of Uncertain Significance.

NM_005245.4(FAT1):c.10701C>G (p.Ile3567Met)

Genes: FAT1 (FAT atypical cadherin 1; minus strand), LOC126807254 (BRD4-independent group 4 enhancer GRCh37_chr4:187524269-187525468; plus strand). Cytogenetic location: 4q35.2.
Variant type: single nucleotide variant.
Coding change: c.10701C>G on transcript NM_005245.4 (MANE Select); coding-DNA position 10701, C replaced by G.
Protein change: p.Ile3567Met; replaces isoleucine 3567 with methionine.
Molecular consequence: missense variant.
Genome position (GRCh38, 1-based): chr4:186,603,825, G>C on the plus strand (C>G on the coding strand, the complement: FAT1 is on the minus strand). VCF-style: chr4-186603825-G-C. GRCh37 (hg19) VCF-style: chr4-187524979-G-C.
Other names: c.10701C>G (NM_005245.3); short protein forms I3567M.
Identifiers: ClinVar variation 1956108 (VCV001956108.6), dbSNP rs1184353259, ClinGen allele CA358976691.